The following is an entry in ClinVar:

ClinVar aggregate classification (germline): Uncertain significance (1 of 4 stars; one submission).

Allele frequency attached by ClinVar (database versions not stated): gnomAD 0.00001; gnomAD exomes 0.00002; TOPMed 0.00002; ExAC 0.00003.
gnomAD v4.1: 27 of 1,612,824 alleles (0.0017%); highest among the groups gnomAD compares: East Asian, 0.0022%; no homozygotes.

Submission:

Labcorp Genetics (formerly Invitae), Labcorp
Classification: Uncertain significance. Last evaluated: 2023-08-02. Review status: criteria provided, single submitter. Criteria: Invitae Variant Classification Sherloc (09022015). Collection method: clinical testing. Allele origin: germline.
Comment: This variant is present in population databases (rs748017086, gnomAD 0.008%). In summary, the available evidence is currently insufficient to determine the role of this variant in disease. Therefore, it has been classified as a Variant of Uncertain Significance. Advanced modeling of protein sequence and biophysical properties (such as structural, functional, and spatial information, amino acid conservation, physicochemical variation, residue mobility, and thermodynamic stability) performed at Invitae indicates that this missense variant is not expected to disrupt TONSL protein function. This variant has not been reported in the literature in individuals affected with TONSL-related conditions. This sequence change replaces aspartic acid, which is acidic and polar, with asparagine, which is neutral and polar, at codon 183 of the TONSL protein (p.Asp183Asn).

NM_013432.5(TONSL):c.547G>A (p.Asp183Asn)

Gene: TONSL (tonsoku like, DNA repair protein; minus strand). Cytogenetic location: 8q24.3.
Variant type: single nucleotide variant.
Coding change: c.547G>A on transcript NM_013432.5 (MANE Select); coding-DNA position 547, G replaced by A.
Protein change: p.Asp183Asn; replaces aspartic acid 183 with asparagine.
Molecular consequence: missense variant.
Genome position (GRCh38, 1-based): chr8:144,442,708, C>T on the plus strand (G>A on the coding strand, the complement: TONSL is on the minus strand). VCF-style: chr8-144442708-C-T. GRCh37 (hg19) VCF-style: chr8-145668091-C-T.
Other names: short protein forms D183N.
Identifiers: ClinVar variation 2907707 (VCV002907707.2), dbSNP rs748017086, ClinGen allele CA4943624.
Genomic context (GRCh38, chr8:144,442,708, plus strand): 5'-CTCCCTCCTGGGGCGGGGCAGGGCCTTACTCCGCAAGGAAGATGCTCTTCCTGAAGTAAT[C>T]GTTGCACAGGGCTGTCTGCTGCAGGCTCTCAAAGGTGAGGCCCAGGTTGAGATAGAGGCG-3'
Protein context (NP_038460.4, residues 173-193): ESLQQTALCN[Asp183Asn]YFRKSIFLAE